The following is an entry in ClinVar:

NM_000377.3(WAS):c.775G>A (p.Asp259Asn)

Gene: WAS (WASP actin nucleation promoting factor; plus strand). Cytogenetic location: Xp11.23.
Variant type: single nucleotide variant.
Coding change: c.775G>A on transcript NM_000377.3 (MANE Select); coding-DNA position 775, G replaced by A.
Protein change: p.Asp259Asn; replaces aspartic acid 259 with asparagine.
Molecular consequence: missense variant.
Genome position (GRCh38, 1-based): chrX:48,688,094, G>A. VCF-style: chrX-48688094-G-A. GRCh37 (hg19) VCF-style: chrX-48546483-G-A.
Other names: c.775G>A, p.Asp259Asn (NM_001438876.1, NM_001438877.1, NM_001438878.1 and 1 more transcripts); short protein forms D259N.
Identifiers: ClinVar variation 4788078 (VCV004788078.1).

ClinVar aggregate classification (germline): Uncertain significance (1 of 4 stars; one submission).

Conditions:
Thrombocytopenia 1. Also called: THROMBOCYTOPENIA, X-LINKED, 1; X-Linked Thrombocytopenia (XLT); X-linked thrombocytopenia with normal platelets. Identifiers: Orphanet 268322, Orphanet 852, MedGen C1839163, MONDO:0010743, OMIM 313900.
Wiskott-Aldrich syndrome (WAS). Also called: ALDRICH SYNDROME; IMMUNODEFICIENCY 2; WISKOTT-ALDRICH SYNDROME 1; Wiskott-aldrich syndrome, somatic. Identifiers: Orphanet 906, MedGen C0043194, MONDO:0010518, OMIM 301000.
X-linked severe congenital neutropenia (SCNX). Identifiers: Orphanet 86788, MedGen C1845987, MONDO:0010294, OMIM 300299.

gnomAD v4.1: 15 of 1,205,559 alleles (0.0012%); highest among the groups gnomAD compares: Non-Finnish European, 0.0017%; no homozygotes.

Submission:

Labcorp Genetics (formerly Invitae), Labcorp
Classification: Uncertain significance for Wiskott-Aldrich syndrome; X-linked severe congenital neutropenia; Thrombocytopenia 1. Last evaluated: 2025-12-01. Review status: criteria provided, single submitter. Criteria: Invitae Variant Classification Sherloc (09022015). Collection method: clinical testing. Allele origin: germline.
Comment: This sequence change replaces aspartic acid, which is acidic and polar, with asparagine, which is neutral and polar, at codon 259 of the WAS protein (p.Asp259Asn). The frequency data for this variant in the population databases is considered unreliable, as metrics indicate poor data quality at this position in the gnomAD database. This variant has not been reported in the literature in individuals affected with WAS-related conditions. An algorithm developed to predict the effect of missense changes on protein structure and function (PolyPhen-2) suggests that this variant is likely to be disruptive. In summary, the available evidence is currently insufficient to determine the role of this variant in disease. Therefore, it has been classified as a Variant of Uncertain Significance.